The following is an entry in ClinVar:

ClinVar aggregate classification (germline): Likely benign (1 of 4 stars; one submission).

Conditions:
PIEZO1-related disorder. Also called: PIEZO1-related condition; PIEZO1-Related Disorders.

Submission:

PreventionGenetics, part of Exact Sciences
Classification: Likely benign for PIEZO1-related condition. Last evaluated: 2025-11-07. Review status: criteria provided, single submitter. Criteria: ACMG Guidelines, 2015. Collection method: clinical testing. Allele origin: germline.
Comment: This variant is classified as likely benign based on ACMG/AMP sequence variant interpretation guidelines (Richards et al. 2015 PMID: 25741868, with internal and published modifications).

NM_001142864.4(PIEZO1):c.1107+3G>A

Genes: HSALR1 (HSP90AB1 associated lncRNA 1; plus strand), PIEZO1 (piezo type mechanosensitive ion channel component 1 (Er blood group); minus strand). Cytogenetic location: 16q24.3.
Variant type: single nucleotide variant.
Coding change: c.1107+3G>A on transcript NM_001142864.4 (MANE Select); 3 bases into the intron after coding-DNA position 1107, G replaced by A.
Molecular consequence: intron variant.
Genome position (GRCh38, 1-based): chr16:88,737,725, C>T on the plus strand (G>A on the coding strand, the complement: PIEZO1 is on the minus strand). VCF-style: chr16-88737725-C-T. GRCh37 (hg19) VCF-style: chr16-88804133-C-T.
Identifiers: ClinVar variation 4987019 (VCV004987019.1).
Genomic context (GRCh38, chr16:88,737,725, plus strand): 5'-GAGCCATGCACGGGCTGGCCGGGCGCCCCCCACGCTGGCGTCTCCACCTGCCTGGCTGCT[C>T]ACCTGGTCAGACTCCCGTTCCTGGGGCCACTGGTCCAGCTCTGCTAGCTCCAGCTCCCGA-3'